The following is an entry in ClinVar:

ClinVar aggregate classification (germline): Likely benign (1 of 4 stars; one submission).

Submission:

CeGaT Center for Human Genetics Tuebingen
Classification: Likely benign. Last evaluated: 2025-01-01. Review status: criteria provided, single submitter. Criteria: CeGaT Center For Human Genetics Tuebingen Variant Classification Criteria Version 2. Collection method: clinical testing. Allele origin: germline. Affected: yes. Observed: 1 variant allele.
Comment: NPEPPS: BP4, BP7

NM_006310.4(NPEPPS):c.423G>A (p.Thr141=)

Gene: NPEPPS (aminopeptidase puromycin sensitive; plus strand). Cytogenetic location: 17q21.32.
Variant type: single nucleotide variant.
Coding change: c.423G>A on transcript NM_006310.4 (MANE Select); coding-DNA position 423, G replaced by A.
Protein change: p.Thr141=; no amino-acid change (threonine 141 retained).
Molecular consequence: synonymous variant.
Genome position (GRCh38, 1-based): chr17:47,579,394, G>A. VCF-style: chr17-47579394-G-A. GRCh37 (hg19) VCF-style: chr17-45656760-G-A.
Other names: c.411G>A, p.Thr137= (NM_001330257.2); c.423G>A, p.Thr141= (NM_001411130.1).
Identifiers: ClinVar variation 3770677 (VCV003770677.13).